The following is an entry in ClinVar:

ClinVar aggregate classification (germline): Benign. Review status: criteria provided, multiple submitters, no conflicts (2 of 4 stars). 9 submissions from 9 submitters: Benign (8). 1 of the submissions does not count toward it. Last evaluated 2026-02-04.

Conditions:
Myocardial infarction, susceptibility to. Identifiers: MedGen C1832662, MONDO:0012039, OMIM 608446.
Renal tubular dysgenesis. Also called: Renotubular dysgenesis. Identifiers: Orphanet 3033, MedGen C0266313, MONDO:0017609, HP:0008660.

Allele frequency attached by ClinVar (database versions not stated): gnomAD exomes 0.53346; ExAC 0.53726; ESP Exome Variant Server 0.56013; gnomAD 0.56384 and 0.56401; TOPMed 0.57985; 1000 Genomes Project 0.64317; 1000 Genomes Project 30x 0.64710.
gnomAD v4.1: 807,435 of 1,608,750 alleles (50%); highest among the groups gnomAD compares: African/African-American, 76%; 207,727 homozygotes.

Submissions (9):

Labcorp Genetics (formerly Invitae), Labcorp
Classification: Benign. Last evaluated: 2026-02-04. Review status: criteria provided, single submitter. Criteria: Invitae Variant Classification Sherloc (09022015). Collection method: clinical testing. Allele origin: germline.

Blueprint Genetics
Classification: Benign. Last evaluated: 2024-11-28. Review status: criteria provided, single submitter. Criteria: ACMG Guidelines, 2015. Collection method: clinical testing. Allele origin: germline.

Mayo Clinic Laboratories, Mayo Clinic
Classification: Benign. Last evaluated: 2022-03-09. Review status: criteria provided, single submitter. Criteria: ACMG Guidelines, 2015. Collection method: clinical testing. Allele origin: germline. Observed: 55 variant alleles.

Genome-Nilou Lab
Classification: Benign for Renal tubular dysgenesis of genetic origin. Last evaluated: 2021-07-14. Review status: criteria provided, single submitter. Criteria: ACMG Guidelines, 2015. Collection method: clinical testing. Allele origin: germline. Affected: no.

GeneDx
Classification: Benign. Last evaluated: 2018-11-10. Review status: criteria provided, single submitter. Criteria: GeneDx Variant Classification Process June 2021. Collection method: clinical testing. Allele origin: germline. Affected: yes.

Illumina Laboratory Services, Illumina
Classification: Benign for Renal tubular dysgenesis of genetic origin. Last evaluated: 2018-01-13. Review status: criteria provided, single submitter. Criteria: ICSL Variant Classification Criteria 13 December 2019. Collection method: clinical testing. Allele origin: germline.
Comment: This variant was observed in the ICSL laboratory as part of a predisposition screen in an ostensibly healthy population. It had not been previously curated by ICSL or reported in the Human Gene Mutation Database (HGMD: prior to June 1st, 2018), and was therefore a candidate for classification through an automated scoring system. Utilizing variant allele frequency, disease prevalence and penetrance estimates, and inheritance mode, an automated score was calculated to assess if this variant is too frequent to cause the disease. Based on the score and internal cut-off values, a variant classified as benign is not then subjected to further curation. The score for this variant resulted in a classification of benign for this disease.

Breakthrough Genomics
Classification: Benign. Review status: criteria provided, single submitter. Criteria: ACMG Guidelines, 2015. Collection method: not provided. Allele origin: germline. Inheritance: Autosomal recessive inheritance. Affected: yes.

PreventionGenetics, part of Exact Sciences
Classification: Benign. Review status: criteria provided, single submitter. Criteria: ACMG Guidelines, 2015. Collection method: clinical testing. Allele origin: germline.

iDNA Genomics
Classification: Benign for Myocardial infarction, susceptibility to. Last evaluated: 2021-10-11. Review status: no assertion criteria provided. Collection method: reference population. Allele origin: unknown. Not counted in ClinVar's aggregate classification.

NM_000789.4(ACE):c.2328G>A (p.Thr776=)

Gene: ACE (angiotensin I converting enzyme; plus strand). Cytogenetic location: 17q23.3.
Variant type: single nucleotide variant.
Coding change: c.2328G>A on transcript NM_000789.4 (MANE Select); coding-DNA position 2328, G replaced by A.
Protein change: p.Thr776=; no amino-acid change (threonine 776 retained).
Molecular consequence: synonymous variant.
Genome position (GRCh38, 1-based): chr17:63,488,670, G>A. VCF-style: chr17-63488670-G-A. GRCh37 (hg19) VCF-style: chr17-61566031-G-A.
Other names: p.Thr776=; c.606G>A, p.Thr202= (NM_001178057.2, NM_152830.3).
Identifiers: ClinVar variation 256803 (VCV000256803.22), dbSNP rs4343, ClinGen allele CA8700063.
Genomic context (GRCh38, chr17:63,488,670, plus strand): 5'-CTAAGGGCTGGAGCTCAAGGCATTCAAACCCCTACCAGATCTGACGAATGTGATGGCCAC[G>A]TCCCGGAAATATGAAGACCTGTTATGGGCATGGGAGGGCTGGCGAGACAAGGCGGGGAGA-3'
Protein context (NP_000780.1, residues 766-786): LEPDLTNVMA[Thr776=]SRKYEDLLWA